The following is an entry in ClinVar:

NM_001308093.3(GATA4):c.358_393dup (p.Ala120_Ala131dup)

Gene: GATA4 (GATA binding protein 4). Cytogenetic location: 8p23.1.
Variant type: Duplication.
Coding change: c.358_393dup on transcript NM_001308093.3 (MANE Select); coding-DNA positions 358 to 393, 36 bases duplicated.
Protein change: p.Ala120_Ala131dup.
Molecular consequence: inframe insertion. On other transcripts: intron variant (3).
Genome position: GRCh38: chr8:11,708,670-11,708,705. GRCh37 (hg19): chr8:11,566,179-11,566,214.
Other names: c.358_393dup, p.Ala120_Ala131dup (NM_002052.5); c.-6+7892_-6+7927dup (NM_001308094.2); c.-3+656_-3+691dup (NM_001374274.1); c.-3+4366_-3+4401dup (NM_001374273.1).
Identifiers: ClinVar variation 972303 (VCV000972303.10), dbSNP rs1800012863, ClinGen allele CA1110738457.
Genomic context (GRCh38, chr8:11,708,663, plus strand): 5'-CGCTTACACCCCGCCGCCGGTGTCGCCGCGCTTCTCCTTCCCGGGGACCACCGGGTCCCT[G>GGCGGCCGCCGCCGCCGCTGCCGCGGCCCGGGAAGCT]GCGGCCGCCGCCGCCGCTGCCGCGGCCCGGGAAGCTGCGGCCTACAGCAGTGGCGGCGGA-3'

ClinVar aggregate classification (germline): Uncertain significance (1 of 4 stars; one submission).

Conditions:
Atrioventricular septal defect 4 (AVSD4). Identifiers: MedGen C3280781, MONDO:0013747, OMIM 614430.

Submission:

Labcorp Genetics (formerly Invitae), Labcorp
Classification: Uncertain significance for Atrioventricular septal defect 4. Last evaluated: 2025-08-16. Review status: criteria provided, single submitter. Criteria: Invitae Variant Classification Sherloc (09022015). Collection method: clinical testing. Allele origin: germline.
Comment: This variant, c.358_393dup, results in the insertion of 12 amino acid(s) of the GATA4 protein (p.Ala120_Ala131dup), but otherwise preserves the integrity of the reading frame. This variant is not present in population databases (gnomAD no frequency). This variant has not been reported in the literature in individuals affected with GATA4-related conditions. ClinVar contains an entry for this variant (Variation ID: 972303). Experimental studies and prediction algorithms are not available or were not evaluated, and the functional significance of this variant is currently unknown. In summary, the available evidence is currently insufficient to determine the role of this variant in disease. Therefore, it has been classified as a Variant of Uncertain Significance.